The following is an entry in ClinVar:

NM_018941.4(CLN8):c.-121T>A

Gene: CLN8 (CLN8 transmembrane ER and ERGIC protein; plus strand). Cytogenetic location: 8p23.3.
Variant type: single nucleotide variant.
Coding change: c.-121T>A on transcript NM_018941.4 (MANE Select); 121 bases upstream of the start codon, T replaced by A.
Molecular consequence: 5 prime UTR variant.
Genome position (GRCh38, 1-based): chr8:1,770,934, T>A. VCF-style: chr8-1770934-T-A. GRCh37 (hg19) VCF-style: chr8-1719100-T-A.
Identifiers: ClinVar variation 515035 (VCV000515035.1), dbSNP rs1554448797, ClinGen allele CA658797069.

ClinVar aggregate classification (germline): Likely benign (1 of 4 stars; one submission).

Allele frequency attached by ClinVar (database versions not stated): gnomAD exomes below 0.00001; TOPMed below 0.00001.
gnomAD v4.1: 1 of 858,066 alleles (0.00012%); highest among the groups gnomAD compares: Admixed American, 0.002%; no homozygotes.

Submission:

GeneDx
Classification: Likely benign. Last evaluated: 2018-02-01. Review status: criteria provided, single submitter. Criteria: GeneDx Variant Classification (06012015). Collection method: clinical testing. Allele origin: germline. Affected: yes.
Comment: This variant is considered likely benign or benign based on one or more of the following criteria: it is a conservative change, it occurs at a poorly conserved position in the protein, it is predicted to be benign by multiple in silico algorithms, and/or has population frequency not consistent with disease.